The following is an entry in ClinVar:

NM_001211.6(BUB1B):c.2098T>C (p.Cys700Arg)

Gene: BUB1B (BUB1 mitotic checkpoint serine/threonine kinase B; plus strand). Cytogenetic location: 15q15.1.
Variant type: single nucleotide variant.
Coding change: c.2098T>C on transcript NM_001211.6 (MANE Select); coding-DNA position 2098, T replaced by C.
Protein change: p.Cys700Arg; replaces cysteine 700 with arginine.
Molecular consequence: missense variant.
Genome position (GRCh38, 1-based): chr15:40,208,725, T>C. VCF-style: chr15-40208725-T-C. GRCh37 (hg19) VCF-style: chr15-40500926-T-C.
Other names: short protein forms C700R.
Identifiers: ClinVar variation 1785833 (VCV001785833.3), dbSNP rs371124423, ClinGen allele CA7475950.

ClinVar aggregate classification (germline): Uncertain significance (1 of 4 stars; one submission).

Conditions:
Inborn genetic diseases. Identifiers: MedGen C0950123, MeSH D030342.

Allele frequency attached by ClinVar (database versions not stated): gnomAD exomes below 0.00001; TOPMed below 0.00001; ExAC 0.00001; ESP Exome Variant Server 0.00008.
gnomAD v4.1: 5 of 1,613,730 alleles (0.00031%); highest among the groups gnomAD compares: South Asian, 0.0022%; no homozygotes.

Submission:

Ambry Genetics
Classification: Uncertain significance for Inborn genetic diseases. Last evaluated: 2025-06-25. Review status: criteria provided, single submitter. Criteria: Ambry Variant Classification Scheme 2023. Collection method: clinical testing. Allele origin: germline.
Comment: The p.C700R variant (also known as c.2098T>C), located in coding exon 16 of the BUB1B gene, results from a T to C substitution at nucleotide position 2098. The cysteine at codon 700 is replaced by arginine, an amino acid with highly dissimilar properties. This amino acid position is conserved. In addition, this alteration is predicted to be tolerated by in silico analysis. Since supporting evidence is limited at this time, the clinical significance of this alteration remains unclear.